The following is an entry in ClinVar:

ClinVar aggregate classification (germline): Uncertain significance (1 of 4 stars; one submission).

Conditions:
Cardiovascular phenotype. Identifiers: MedGen CN230736.

Submission:

Ambry Genetics
Classification: Uncertain significance for Cardiovascular phenotype. Last evaluated: 2024-10-21. Review status: criteria provided, single submitter. Criteria: Ambry Variant Classification Scheme 2023. Collection method: clinical testing. Allele origin: germline.
Comment: The p.N453H variant (also known as c.1357A>C), located in coding exon 2 of the TNXB gene, results from an A to C substitution at nucleotide position 1357. The asparagine at codon 453 is replaced by histidine, an amino acid with similar properties. This amino acid position is conserved. In addition, this alteration is predicted to be tolerated by in silico analysis. Based on the available evidence, the clinical significance of this variant remains unclear.

NM_001365276.2(TNXB):c.1357A>C (p.Asn453His)

Gene: TNXB (tenascin XB; minus strand). Cytogenetic location: 6p21.33.
Variant type: single nucleotide variant.
Coding change: c.1357A>C on transcript NM_001365276.2 (MANE Select); coding-DNA position 1357, A replaced by C.
Protein change: p.Asn453His; replaces asparagine 453 with histidine.
Molecular consequence: missense variant.
Genome position (GRCh38, 1-based): chr6:32,096,496, T>G on the plus strand (A>C on the coding strand, the complement: TNXB is on the minus strand). VCF-style: chr6-32096496-T-G. GRCh37 (hg19) VCF-style: chr6-32064273-T-G.
Other names: c.1357A>C, p.Asn453His (NM_001428335.1, NM_019105.8); short protein forms N453H.
Identifiers: ClinVar variation 3459817 (VCV003459817.1).